The following is an entry in ClinVar:

NM_001127671.2(LIFR):c.737G>T (p.Trp246Leu)

Gene: LIFR (LIF receptor subunit alpha; minus strand). Cytogenetic location: 5p13.1.
Variant type: single nucleotide variant.
Coding change: c.737G>T on transcript NM_001127671.2 (MANE Select); coding-DNA position 737, G replaced by T.
Protein change: p.Trp246Leu; replaces tryptophan 246 with leucine.
Molecular consequence: missense variant.
Genome position (GRCh38, 1-based): chr5:38,510,718, C>A on the plus strand (G>T on the coding strand, the complement: LIFR is on the minus strand). VCF-style: chr5-38510718-C-A. GRCh37 (hg19) VCF-style: chr5-38510820-C-A.
Other names: c.737G>T, p.Trp246Leu (NM_001364297.2, NM_001364298.2, NM_002310.6); short protein forms W246L.
Identifiers: ClinVar variation 1029587 (VCV001029587.1), dbSNP rs1745754747, ClinGen allele CA359547395.
Genomic context (GRCh38, chr5:38,510,718, plus strand): 5'-TCTGAGCCTACAAGTATCACTTTATCTTGAGGAAAAACCTTAGTCTGAGAATCAGGTATC[C>A]CTAGAAAGAAAAAGAGGAATTATAAACATTTTATATAGAAGTATTTTACATAAACTTTTC-3'
Protein context (NP_001121143.1, residues 236-256): SDWSPVKNIS[Trp246Leu]IPDSQTKVFP

ClinVar aggregate classification (germline): Uncertain significance (1 of 4 stars; one submission).

Conditions:
Stuve-Wiedemann syndrome (STWS). Also called: Stüve-Wiedemann syndrome. Identifiers: Orphanet 3206, MedGen C0796176, MONDO:0031280.

Submission:

Baylor Genetics
Classification: Uncertain significance for Stüve-Wiedemann syndrome 1. Last evaluated: 2020-05-05. Review status: criteria provided, single submitter. Criteria: ACMG Guidelines, 2015. Collection method: clinical testing. Allele origin: unknown. Affected: yes.
Comment: This variant was determined to be of uncertain significance according to ACMG Guidelines, 2015 [PMID:25741868].